The following is an entry in ClinVar:

NM_005045.4(RELN):c.2042G>A (p.Arg681Lys)

Gene: RELN (reelin; minus strand). Cytogenetic location: 7q22.1.
Variant type: single nucleotide variant.
Coding change: c.2042G>A on transcript NM_005045.4 (MANE Select); coding-DNA position 2042, G replaced by A.
Protein change: p.Arg681Lys; replaces arginine 681 with lysine.
Molecular consequence: missense variant.
Genome position (GRCh38, 1-based): chr7:103,640,570, C>T on the plus strand (G>A on the coding strand, the complement: RELN is on the minus strand). VCF-style: chr7-103640570-C-T. GRCh37 (hg19) VCF-style: chr7-103281017-C-T.
Other names: c.2042G>A, p.Arg681Lys (NM_173054.3); short protein forms R681K.
Identifiers: ClinVar variation 2098448 (VCV002098448.4), dbSNP rs1832676269, ClinGen allele CA368762533.

ClinVar aggregate classification (germline): Uncertain significance (1 of 4 stars; one submission).

Conditions:
Norman-Roberts syndrome (LIS2). Also called: Lissencephaly 2 (Norman-Roberts type). Identifiers: Orphanet 89844, MedGen C0796089, MONDO:0009760, OMIM 257320.
Familial temporal lobe epilepsy 7. Identifiers: Orphanet 101046, MedGen C4225327, MONDO:0014639, OMIM 616436.

Allele frequency attached by ClinVar (database versions not stated): gnomAD exomes below 0.00001; gnomAD 0.00001; TOPMed 0.00001.
gnomAD v4.1: 5 of 1,613,716 alleles (0.00031%); highest among the groups gnomAD compares: African/African-American, 0.0013%; no homozygotes.

Submission:

Labcorp Genetics (formerly Invitae), Labcorp
Classification: Uncertain significance for Familial temporal lobe epilepsy 7; Norman-Roberts syndrome. Last evaluated: 2022-06-08. Review status: criteria provided, single submitter. Criteria: Invitae Variant Classification Sherloc (09022015). Collection method: clinical testing. Allele origin: germline.
Comment: Algorithms developed to predict the effect of missense changes on protein structure and function are either unavailable or do not agree on the potential impact of this missense change (SIFT: "Deleterious"; PolyPhen-2: "Probably Damaging"; Align-GVGD: "Class C0"). In summary, the available evidence is currently insufficient to determine the role of this variant in disease. Therefore, it has been classified as a Variant of Uncertain Significance. This missense change has been observed in individual(s) with clinical features of RELN-related conditions (PMID: 34489640). This variant is not present in population databases (gnomAD no frequency). This sequence change replaces arginine, which is basic and polar, with lysine, which is basic and polar, at codon 681 of the RELN protein (p.Arg681Lys).

Literature cited by the submitters: PubMed 34489640.